The following is an entry in ClinVar:

ClinVar aggregate classification (germline): Likely benign (0 of 4 stars; one submission).

Conditions:
KMT2C-related disorder. Also called: KMT2C-related disorders; KMT2C-related condition.

Allele frequency attached by ClinVar (database versions not stated): gnomAD 0.00001; gnomAD exomes 0.00001; TOPMed 0.00001.
gnomAD v4.1: 18 of 1,613,978 alleles (0.0011%); highest among the groups gnomAD compares: Admixed American, 0.013%; no homozygotes.

Submission:

PreventionGenetics, part of Exact Sciences
Classification: Likely benign for KMT2C-related condition. Last evaluated: 2019-03-21. Review status: no assertion criteria provided. Collection method: clinical testing. Allele origin: germline.
Comment: This variant is classified as likely benign based on ACMG/AMP sequence variant interpretation guidelines (Richards et al. 2015 PMID: 25741868, with internal and published modifications).

NM_170606.3(KMT2C):c.14280G>A (p.Ser4760=)

Gene: KMT2C (lysine methyltransferase 2C; minus strand). Cytogenetic location: 7q36.1.
Variant type: single nucleotide variant.
Coding change: c.14280G>A on transcript NM_170606.3 (MANE Select); coding-DNA position 14280, G replaced by A.
Protein change: p.Ser4760=; no amino-acid change (serine 4760 retained).
Molecular consequence: synonymous variant.
Genome position (GRCh38, 1-based): chr7:152,144,776, C>T on the plus strand (G>A on the coding strand, the complement: KMT2C is on the minus strand). VCF-style: chr7-152144776-C-T. GRCh37 (hg19) VCF-style: chr7-151841861-C-T.
Identifiers: ClinVar variation 3058011 (VCV003058011.2), dbSNP rs924742192, ClinGen allele CA169218242.